The following is an entry in ClinVar:

ClinVar aggregate classification (germline): Likely pathogenic (1 of 4 stars; one submission).

Conditions:
Primary ciliary dyskinesia 3. Identifiers: Orphanet 244, MedGen C1837618, MONDO:0012085, OMIM 608644.

Submission:

Myriad Genetics, Inc.
Classification: Likely pathogenic for Primary ciliary dyskinesia 3. Last evaluated: 2022-02-17. Review status: criteria provided, single submitter. Criteria: Myriad Women's Health Autosomal Recessive and X-Linked Classification Criteria (2021). Collection method: clinical testing. Allele origin: unknown.
Comment: NM_001369.2(DNAH5):c.8058T>A(Y2686*) is expected to be pathogenic in the context of DNAH5-related primary ciliary dyskinesia. This variant is predicted to lead to an abnormal or absent protein product due to the creation of a premature termination codon in DNAH5, a gene where loss-of-function variants are known to be pathogenic. Please note: this variant was assessed in the context of healthy population screening.

NM_001369.3(DNAH5):c.8058T>A (p.Tyr2686Ter)

Gene: DNAH5 (dynein axonemal heavy chain 5; minus strand). Cytogenetic location: 5p15.2.
Variant type: single nucleotide variant.
Coding change: c.8058T>A on transcript NM_001369.3 (MANE Select); coding-DNA position 8058, T replaced by A.
Protein change: p.Tyr2686Ter; replaces tyrosine 2686 with a stop codon.
Molecular consequence: nonsense.
Genome position (GRCh38, 1-based): chr5:13,793,681, A>T on the plus strand (T>A on the coding strand, the complement: DNAH5 is on the minus strand). VCF-style: chr5-13793681-A-T. GRCh37 (hg19) VCF-style: chr5-13793790-A-T.
Other names: short protein forms Y2686*.
Identifiers: ClinVar variation 1724436 (VCV001724436.2), dbSNP rs1757372234, ClinGen allele CA359221498.
Genomic context (GRCh38, chr5:13,793,681, plus strand): 5'-CATGGCTGCCAAAAACTGGATGTCCACGATGCTGGTGAACTCCCCAGGCTTCTCTAGATT[A>T]TAGAATCCATTTTGTTCCATCAGCTGTCGCACTATCTCATTCGTAACCTACAAAAGACAA-3'